The following is an entry in ClinVar:

NM_001018005.2(TPM1):c.647A>G (p.Gln216Arg)

Gene: TPM1 (tropomyosin 1; plus strand). Cytogenetic location: 15q22.2.
Variant type: single nucleotide variant.
Coding change: c.647A>G on transcript NM_001018005.2 (MANE Select); coding-DNA position 647, A replaced by G.
Protein change: p.Gln216Arg; replaces glutamine 216 with arginine.
Molecular consequence: missense variant.
Genome position (GRCh38, 1-based): chr15:63,062,222, A>G. VCF-style: chr15-63062222-A-G. GRCh37 (hg19) VCF-style: chr15-63354421-A-G.
Other names: c.647A>G, p.Gln216Arg (NM_000366.6, NM_001018004.2, NM_001018006.2 and 6 more transcripts); c.539A>G, p.Gln180Arg (NM_001018008.2, NM_001301289.2, NM_001330344.2 and 5 more transcripts); c.773A>G, p.Gln258Arg (NM_001365778.1); short protein forms Q216R, Q258R, Q180R.
Identifiers: ClinVar variation 1486721 (VCV001486721.7), dbSNP rs2140969414, ClinGen allele CA392724395.

ClinVar aggregate classification (germline): Uncertain significance. Review status: criteria provided, multiple submitters, no conflicts (2 of 4 stars). 2 submissions from 2 submitters: Uncertain significance (2). Last evaluated 2023-06-26.

Conditions:
Hypertrophic cardiomyopathy. Also called: HYPERTROPHIC MYOCARDIOPATHY. Identifiers: Orphanet 217569, MedGen C0007194, MeSH D002312, MONDO:0005045, HP:0001639.

Allele frequency attached by ClinVar (database versions not stated): gnomAD exomes below 0.00001.
gnomAD v4.1: 3 of 1,614,120 alleles (0.00019%); highest among the groups gnomAD compares: Non-Finnish European, 0.00017%; no homozygotes.

Submissions (2):

All of Us Research Program, National Institutes of Health
Classification: Uncertain significance for Hypertrophic cardiomyopathy. Last evaluated: 2023-06-26. Review status: criteria provided, single submitter. Criteria: ACMG Guidelines, 2015. Collection method: clinical testing. Allele origin: germline. Inheritance: Autosomal dominant inheritance. Observed: 1 variant allele, 1 heterozygote.
Comment: This missense variant replaces glutamine with arginine at codon 216 of the TPM1 protein. Computational prediction suggests that this variant may have a deleterious impact on protein structure and function (internally defined REVEL score threshold >= 0.7, PMID: 27666373). To our knowledge, functional studies have not been reported for this variant. This variant has been reported in an individual affected with left ventricular noncompaction (PMID: 33082984). This variant has not been identified in the general population by the Genome Aggregation Database (gnomAD). The available evidence is insufficient to determine the role of this variant in disease conclusively. Therefore, this variant is classified as a Variant of Uncertain Significance.

This study involves interpretation of variants in research participants for the purpose of population health screening. Participant phenotype was not available at the time of variant classification. Additional details can be found in publication PMID: 35346344, PMCID: PMC8962531

Labcorp Genetics (formerly Invitae), Labcorp
Classification: Uncertain significance for Hypertrophic cardiomyopathy. Last evaluated: 2022-10-24. Review status: criteria provided, single submitter. Criteria: Invitae Variant Classification Sherloc (09022015). Collection method: clinical testing. Allele origin: germline.
Comment: This sequence change replaces glutamine, which is neutral and polar, with arginine, which is basic and polar, at codon 216 of the TPM1 protein (p.Gln216Arg). This variant is not present in population databases (gnomAD no frequency). In summary, the available evidence is currently insufficient to determine the role of this variant in disease. Therefore, it has been classified as a Variant of Uncertain Significance. Algorithms developed to predict the effect of missense changes on protein structure and function are either unavailable or do not agree on the potential impact of this missense change (SIFT: "Tolerated"; PolyPhen-2: "Probably Damaging"; Align-GVGD: "Class C0"). ClinVar contains an entry for this variant (Variation ID: 1486721). This missense change has been observed in individual(s) with left ventricular noncompaction (PMID: 33082984).

Literature cited by the submitters: PubMed 33082984 (cited by All of Us Research Program, National Institutes of Health and Labcorp Genetics (formerly Invitae), Labcorp).